The following is an entry in ClinVar:

NM_007294.4(BRCA1):c.4150G>A (p.Gly1384Arg)

Gene: BRCA1 (BRCA1 DNA repair associated; minus strand). Cytogenetic location: 17q21.31.
Variant type: single nucleotide variant.
Coding change: c.4150G>A on transcript NM_007294.4 (MANE Select); coding-DNA position 4150, G replaced by A.
Protein change: p.Gly1384Arg; replaces glycine 1384 with arginine.
Molecular consequence: missense variant. On other transcripts: non-coding transcript variant (1).
Genome position (GRCh38, 1-based): chr17:43,090,979, C>T on the plus strand (G>A on the coding strand, the complement: BRCA1 is on the minus strand). VCF-style: chr17-43090979-C-T. GRCh37 (hg19) VCF-style: chr17-41242996-C-T.
Other names: c.3937G>A, p.Gly1313Arg (NM_001407899.1, NM_001407571.1, NM_001407853.1 and 9 more transcripts); c.841G>A, p.Gly281Arg (NM_007299.4, NM_007304.2, NM_007298.4 and 18 more transcripts); c.4150G>A, p.Gly1384Arg (NM_007300.4, NM_001407620.1, NM_001407622.1 and 30 more transcripts); c.4009G>A, p.Gly1337Arg (NM_007297.4, NM_001407692.1, NM_001407694.1 and 29 more transcripts); c.3940G>A, p.Gly1314Arg (NM_001407904.1, NM_001407906.1, NM_001407909.1 and 13 more transcripts); c.4147G>A, p.Gly1383Arg (NM_001407615.1, NM_001407587.1, NM_001407590.1 and 22 more transcripts); c.4141G>A, p.Gly1381Arg (NM_001407646.1, NM_001407647.1); c.4027G>A, p.Gly1343Arg (NM_001407648.1, NM_001407664.1, NM_001407665.1 and 19 more transcripts); and 41 more; short protein forms G1384R, G1337R, G281R, G1088R, G1256R, G1313R, G1381R, G200R.
Identifiers: ClinVar variation 462634 (VCV000462634.13), dbSNP rs1555586146, ClinGen allele CA10593422.

ClinVar aggregate classification (germline): Conflicting classifications of pathogenicity. Review status: criteria provided, conflicting classifications (1 of 4 stars). 2 submissions from 2 submitters: Uncertain significance (1); Likely benign (1). Last evaluated 2024-09-14.

Conditions:
Hereditary breast ovarian cancer syndrome. Also called: Hereditary breast and ovarian cancer syndrome (HBOC); Hereditary breast and ovarian cancer syndrome; Breast and ovarian cancer; Hereditary breast and/or ovarian cancer syndrome; Hereditary breast and ovarian cancer; BRCA1- and BRCA2-Associated Hereditary Breast and Ovarian Cancer. Identifiers: Orphanet 145, MedGen C0677776, MeSH D061325, MONDO:0003582. Disease mechanism: loss of function.
Hereditary cancer-predisposing syndrome. Also called: Neoplastic Syndromes, Hereditary; Hereditary Cancer Syndrome; Hereditary neoplastic syndrome; Tumor predisposition. Identifiers: Orphanet 140162, MedGen C0027672, MeSH D009386, MONDO:0015356.

Allele frequency attached by ClinVar (database versions not stated): TOPMed 0.00001.

Submissions (2):

Labcorp Genetics (formerly Invitae), Labcorp
Classification: Uncertain significance for Hereditary breast ovarian cancer syndrome. Last evaluated: 2024-09-14. Review status: criteria provided, single submitter. Criteria: Invitae Variant Classification Sherloc (09022015). Collection method: clinical testing. Allele origin: germline.
Comment: This sequence change replaces glycine, which is neutral and non-polar, with arginine, which is basic and polar, at codon 1384 of the BRCA1 protein (p.Gly1384Arg). This variant is not present in population databases (gnomAD no frequency). This variant has not been reported in the literature in individuals affected with BRCA1-related conditions. ClinVar contains an entry for this variant (Variation ID: 462634). Invitae Evidence Modeling of protein sequence and biophysical properties (such as structural, functional, and spatial information, amino acid conservation, physicochemical variation, residue mobility, and thermodynamic stability) indicates that this missense variant is not expected to disrupt BRCA1 protein function with a negative predictive value of 95%. In summary, the available evidence is currently insufficient to determine the role of this variant in disease. Therefore, it has been classified as a Variant of Uncertain Significance.

Ambry Genetics
Classification: Likely benign for Hereditary cancer-predisposing syndrome. Last evaluated: 2024-06-12. Review status: criteria provided, single submitter. Criteria: Ambry Variant Classification Scheme 2023. Collection method: clinical testing. Allele origin: germline.